The following is an entry in ClinVar:

ClinVar aggregate classification (germline): Benign (1 of 4 stars; one submission).

Allele frequency attached by ClinVar (database versions not stated): 1000 Genomes Project 0.09545; 1000 Genomes Project 30x 0.09822; TOPMed 0.11491; gnomAD 0.11532 and 0.11689.
gnomAD v4.1: 69,607 of 660,290 alleles (11%); highest among the groups gnomAD compares: African/African-American, 15%; 4,125 homozygotes.

Submission:

GeneDx
Classification: Benign. Last evaluated: 2018-06-14. Review status: criteria provided, single submitter. Criteria: GeneDx Variant Classification (06012015). Collection method: clinical testing. Allele origin: germline. Affected: yes.
Comment: This variant is considered likely benign or benign based on one or more of the following criteria: it is a conservative change, it occurs at a poorly conserved position in the protein, it is predicted to be benign by multiple in silico algorithms, and/or has population frequency not consistent with disease.

NM_015141.4(GPD1L):c.853-147G>A

Gene: GPD1L (glycerol-3-phosphate dehydrogenase 1 like; plus strand). Cytogenetic location: 3p22.3.
Variant type: single nucleotide variant.
Coding change: c.853-147G>A on transcript NM_015141.4 (MANE Select); 147 bases into the intron before coding-DNA position 853, G replaced by A.
Molecular consequence: intron variant.
Genome position (GRCh38, 1-based): chr3:32,159,421, G>A. VCF-style: chr3-32159421-G-A. GRCh37 (hg19) VCF-style: chr3-32200913-G-A.
Identifiers: ClinVar variation 672397 (VCV000672397.1), dbSNP rs55689071, ClinGen allele CA11549948.